The following is an entry in ClinVar:

NM_001001331.4(ATP2B2):c.1761dup (p.Arg588fs)

Gene: ATP2B2 (ATPase plasma membrane Ca2+ transporting 2; minus strand). Cytogenetic location: 3p25.3.
Variant type: Duplication.
Coding change: c.1761dup on transcript NM_001001331.4 (MANE Select); coding-DNA position 1761, one base duplicated (G; older notation c.1761dupG).
Protein change: p.Arg588fs; shifts the reading frame from arginine 588.
Molecular consequence: frameshift variant.
Genome position (GRCh38, 1-based): chr3:10,360,022, C duplicated on the plus strand (G on the coding strand, the reverse complement: ATP2B2 is on the minus strand). VCF-style (leftmost placement, unchanged base first): chr3-10360021-G-GC. GRCh37 (hg19) VCF-style: chr3-10401705-G-GC.
Other names: c.1626dup, p.Arg543fs (NM_001330611.3, NM_001353564.1, NM_001363862.1 and 1 more transcripts); short protein forms R543fs, R588fs.
Identifiers: ClinVar variation 3722000 (VCV003722000.2).

ClinVar aggregate classification (germline): Pathogenic (1 of 4 stars; one submission).

Submission:

Labcorp Genetics (formerly Invitae), Labcorp
Classification: Pathogenic. Last evaluated: 2024-10-02. Review status: criteria provided, single submitter. Criteria: Invitae Variant Classification Sherloc (09022015). Collection method: clinical testing. Allele origin: germline.
Comment: This sequence change creates a premature translational stop signal (p.Arg543Alafs*42) in the ATP2B2 gene. It is expected to result in an absent or disrupted protein product. Loss-of-function variants in ATP2B2 are known to be pathogenic (PMID: 30535804). This variant is not present in population databases (gnomAD no frequency). This variant has not been reported in the literature in individuals affected with ATP2B2-related conditions. For these reasons, this variant has been classified as Pathogenic.

Literature cited by the submitters: PubMed 30535804.